The following is an entry in ClinVar:

ClinVar aggregate classification (germline): Pathogenic (1 of 4 stars; one submission).

Conditions:
Autosomal recessive limb-girdle muscular dystrophy type 2A (LGMDR1). Also called: Limb-girdle muscular dystrophy, type 2A; Calpainopathy; LEYDEN-MOEBIUS MUSCULAR DYSTROPHY; MUSCULAR DYSTROPHY, PELVOFEMORAL; Muscular dystrophy, limb-girdle, type 2A, Amish. Identifiers: Orphanet 267, MedGen C1869123, MONDO:0009675, OMIM 253600. Disease mechanism: loss of function.

Submission:

Labcorp Genetics (formerly Invitae), Labcorp
Classification: Pathogenic for Autosomal recessive limb-girdle muscular dystrophy type 2A. Last evaluated: 2022-09-06. Review status: criteria provided, single submitter. Criteria: Invitae Variant Classification Sherloc (09022015). Collection method: clinical testing. Allele origin: germline.
Comment: This sequence change creates a premature translational stop signal (p.Met485Ilefs*11) in the CAPN3 gene. It is expected to result in an absent or disrupted protein product. Loss-of-function variants in CAPN3 are known to be pathogenic (PMID: 10330340, 15689361). This variant is not present in population databases (gnomAD no frequency). This variant has not been reported in the literature in individuals affected with CAPN3-related conditions. ClinVar contains an entry for this variant (Variation ID: 935813). For these reasons, this variant has been classified as Pathogenic.

Literature cited by the submitters: PubMed 10330340; PubMed 15689361.

NM_000070.3(CAPN3):c.1455del (p.Met485fs)

Gene: CAPN3 (calpain 3; plus strand). Cytogenetic location: 15q15.1.
Variant type: Deletion.
Coding change: c.1455del on transcript NM_000070.3 (MANE Select); coding-DNA position 1455, one base deleted (G; older notation c.1455delG).
Protein change: p.Met485fs; shifts the reading frame from methionine 485.
Molecular consequence: frameshift variant.
Genome position (GRCh38, 1-based): chr15:42,401,741, G deleted. VCF-style (leftmost placement, unchanged base first): chr15-42401740-TG-T. GRCh37 (hg19) VCF-style: chr15-42693938-TG-T.
Other names: c.1455del, p.Met485fs (NM_024344.2); c.1311del, p.Met437fs (NM_173087.2); short protein forms M437fs, M485fs.
Identifiers: ClinVar variation 935813 (VCV000935813.8), dbSNP rs2053876698, ClinGen allele CA1139663860.